The following is an entry in ClinVar:

ClinVar aggregate classification (germline): Uncertain significance. Review status: criteria provided, multiple submitters, no conflicts (2 of 4 stars). 2 submissions from 2 submitters: Uncertain significance (2). Last evaluated 2026-03-31.

Conditions:
Progressive myoclonic epilepsy type 3. Also called: EPILEPSY, PROGRESSIVE MYOCLONIC, 3, WITH OR WITHOUT INTRACELLULAR INCLUSIONS; CEROID LIPOFUSCINOSIS, NEURONAL, 14; KCTD7-Related Progressive Myoclonic Epilepsy; EPILEPSY, PROGRESSIVE MYOCLONIC, 3, WITHOUT INTRACELLULAR INCLUSIONS. Identifiers: Orphanet 263516, MedGen C2673257, MONDO:0012721, OMIM 611726.

Allele frequency attached by ClinVar (database versions not stated): gnomAD exomes below 0.00001; ExAC 0.00001.

Submissions (2):

Women's Health and Genetics/Laboratory Corporation of America, LabCorp
Classification: Uncertain significance. Last evaluated: 2026-03-31. Review status: criteria provided, single submitter. Criteria: LabCorp Variant Classification Summary - May 2015. Collection method: clinical testing. Allele origin: germline.
Comment: Variant summary: KCTD7 c.440T>C (p.Leu147Pro) results in a non-conservative amino acid change in the encoded protein sequence. Algorithms developed to predict the effect of missense changes on protein structure and function are either unavailable or do not agree on the potential impact of this missense change. The variant allele was found at a frequency of 4e-06 in 251450 control chromosomes. c.440T>C has been observed in the compound heterozygous state in individuals affected with progressive myoclonic epilepsy (e.g. Wang_2019, Dai_2019). These data indicate that the variant may be associated with disease. To our knowledge, no experimental evidence demonstrating an impact on protein function has been reported. The following publications have been ascertained in the context of this evaluation (PMID: 31247399, 30776697). ClinVar contains an entry for this variant (Variation ID: 641399). Based on the evidence outlined above, the variant was classified as VUS-possibly pathogenic.

Labcorp Genetics (formerly Invitae), Labcorp
Classification: Uncertain significance for Progressive myoclonic epilepsy type 3. Last evaluated: 2021-06-13. Review status: criteria provided, single submitter. Criteria: Invitae Variant Classification Sherloc (09022015). Collection method: clinical testing. Allele origin: germline.
Comment: In summary, the available evidence is currently insufficient to determine the role of this variant in disease. Therefore, it has been classified as a Variant of Uncertain Significance. Algorithms developed to predict the effect of missense changes on protein structure and function (SIFT, PolyPhen-2, Align-GVGD) all suggest that this variant is likely to be disruptive, but these predictions have not been confirmed by published functional studies and their clinical significance is uncertain. This variant has been observed in individual(s) with progressive myoclonic epilepsy (PMID: 30776697). ClinVar contains an entry for this variant (Variation ID: 641399). This variant is present in population databases (rs775109352, ExAC 0.001%). This sequence change replaces leucine with proline at codon 147 of the KCTD7 protein (p.Leu147Pro). The leucine residue is highly conserved and there is a moderate physicochemical difference between leucine and proline.

Literature cited by the submitters: PubMed 30776697 (cited by Women's Health and Genetics/Laboratory Corporation of America, LabCorp and Labcorp Genetics (formerly Invitae), Labcorp); PubMed 31247399 (cited by Women's Health and Genetics/Laboratory Corporation of America, LabCorp).

NM_153033.5(KCTD7):c.440T>C (p.Leu147Pro)

Gene: KCTD7 (potassium channel tetramerization domain containing 7; plus strand). Cytogenetic location: 7q11.21.
Variant type: single nucleotide variant.
Coding change: c.440T>C on transcript NM_153033.5 (MANE Select); coding-DNA position 440, T replaced by C.
Protein change: p.Leu147Pro; replaces leucine 147 with proline.
Molecular consequence: missense variant.
Genome position (GRCh38, 1-based): chr7:66,638,378, T>C. VCF-style: chr7-66638378-T-C. GRCh37 (hg19) VCF-style: chr7-66103365-T-C.
Other names: c.440T>C, p.Leu147Pro (NM_001167961.2); short protein forms L147P.
Identifiers: ClinVar variation 641399 (VCV000641399.10), dbSNP rs775109352, ClinGen allele CA4278258.